The following is an entry in ClinVar:

NM_000391.4(TPP1):c.1652C>G (p.Pro551Arg)

Gene: TPP1 (tripeptidyl peptidase 1; minus strand). Cytogenetic location: 11p15.4.
Variant type: single nucleotide variant.
Coding change: c.1652C>G on transcript NM_000391.4 (MANE Select); coding-DNA position 1652, C replaced by G.
Protein change: p.Pro551Arg; replaces proline 551 with arginine.
Molecular consequence: missense variant.
Genome position (GRCh38, 1-based): chr11:6,614,586, G>C on the plus strand (C>G on the coding strand, the complement: TPP1 is on the minus strand). VCF-style: chr11-6614586-G-C. GRCh37 (hg19) VCF-style: chr11-6635817-G-C.
Other names: short protein forms P551R.
Identifiers: ClinVar variation 2129152 (VCV002129152.4), dbSNP rs1471166450, ClinGen allele CA379472008.
Genomic context (GRCh38, chr11:6,614,586, plus strand): 5'-TCTCTCCTGATAGGAAAGGGTCAGGGGTTGAGTAGAGTCTTCAGCAAAGCTGGGAAGTTG[G>C]GTGTTCCCCAGCCTGTTACAGGATCCCAGCCAGGACCAGAGCAGAAACCCTGGCCCTCTA-3'
Protein context (NP_000382.3, residues 541-561): GWDPVTGWGT[Pro551Arg]NFPALLKTLL

ClinVar aggregate classification (germline): Uncertain significance (1 of 4 stars; one submission).

Allele frequency attached by ClinVar (database versions not stated): gnomAD exomes below 0.00001; gnomAD 0.00001.
gnomAD v4.1: 2 of 1,613,984 alleles (0.00012%); highest among the groups gnomAD compares: African/African-American, 0.0027%; no homozygotes.

Submission:

Labcorp Genetics (formerly Invitae), Labcorp
Classification: Uncertain significance. Last evaluated: 2022-04-22. Review status: criteria provided, single submitter. Criteria: Invitae Variant Classification Sherloc (09022015). Collection method: clinical testing. Allele origin: germline.
Comment: In summary, the available evidence is currently insufficient to determine the role of this variant in disease. Therefore, it has been classified as a Variant of Uncertain Significance. Advanced modeling of protein sequence and biophysical properties (such as structural, functional, and spatial information, amino acid conservation, physicochemical variation, residue mobility, and thermodynamic stability) performed at Invitae indicates that this missense variant is expected to disrupt TPP1 protein function. This variant has not been reported in the literature in individuals affected with TPP1-related conditions. This variant is present in population databases (no rsID available, gnomAD 0.007%). This sequence change replaces proline, which is neutral and non-polar, with arginine, which is basic and polar, at codon 551 of the TPP1 protein (p.Pro551Arg).